The following is an entry in ClinVar:

ClinVar aggregate classification (germline): Uncertain significance. Review status: criteria provided, multiple submitters, no conflicts (2 of 4 stars). 2 submissions from 2 submitters: Uncertain significance (2). Last evaluated 2025-05-10.

Conditions:
Long QT syndrome (LQTS). Identifiers: MedGen C0023976, MeSH D008133, MONDO:0002442. Disease mechanism: loss of function. Inheritance: Various modes of inheritance.
Cardiovascular phenotype. Identifiers: MedGen CN230736.

Submissions (2):

Ambry Genetics
Classification: Uncertain significance for Cardiovascular phenotype. Last evaluated: 2025-05-10. Review status: criteria provided, single submitter. Criteria: Ambry Variant Classification Scheme 2023. Collection method: clinical testing. Allele origin: germline.
Comment: The p.P7Q variant (also known as c.20C>A), located in coding exon 1 of the KCNQ1 gene, results from a C to A substitution at nucleotide position 20. The proline at codon 7 is replaced by glutamine, an amino acid with similar properties. This amino acid position is well conserved in available vertebrate species. In addition, the in silico prediction for this alteration is inconclusive. Based on the available evidence, the clinical significance of this variant remains unclear.

Labcorp Genetics (formerly Invitae), Labcorp
Classification: Uncertain significance for Long QT syndrome. Last evaluated: 2025-02-13. Review status: criteria provided, single submitter. Criteria: Invitae Variant Classification Sherloc (09022015). Collection method: clinical testing. Allele origin: germline.
Comment: This sequence change replaces proline, which is neutral and non-polar, with glutamine, which is neutral and polar, at codon 7 of the KCNQ1 protein (p.Pro7Gln). This variant is not present in population databases (gnomAD no frequency). This variant has not been reported in the literature in individuals affected with KCNQ1-related conditions. Invitae Evidence Modeling of protein sequence and biophysical properties (such as structural, functional, and spatial information, amino acid conservation, physicochemical variation, residue mobility, and thermodynamic stability) has been performed for this missense variant. However, the output from this modeling did not meet the statistical confidence thresholds required to predict the impact of this variant on KCNQ1 protein function. In summary, the available evidence is currently insufficient to determine the role of this variant in disease. Therefore, it has been classified as a Variant of Uncertain Significance.

NM_000218.3(KCNQ1):c.20C>A (p.Pro7Gln)

Gene: KCNQ1 (potassium voltage-gated channel subfamily Q member 1; plus strand). Cytogenetic location: 11p15.5.
Variant type: single nucleotide variant.
Coding change: c.20C>A on transcript NM_000218.3 (MANE Select); coding-DNA position 20, C replaced by A.
Protein change: p.Pro7Gln; replaces proline 7 with glutamine.
Molecular consequence: missense variant. On other transcripts: 5 prime UTR variant (1).
Genome position (GRCh38, 1-based): chr11:2,445,118, C>A. VCF-style: chr11-2445118-C-A. GRCh37 (hg19) VCF-style: chr11-2466348-C-A.
Other names: c.20C>A, p.Pro7Gln (NM_001406836.1, NM_001406838.1); c.-343C>A (NM_001406837.1); short protein forms P7Q.
Identifiers: ClinVar variation 4041809 (VCV004041809.2).
Genomic context (GRCh38, chr11:2,445,118, plus strand): 5'-TGCCGCCGCTCGGGCCGGCCCCCCGGCAGGCCCTCCTCGTTATGGCCGCGGCCTCCTCCC[C>A]GCCCAGGGCCGAGAGGAAGCGCTGGGGTTGGGGCCGCCTGCCAGGCGCCCGGCGGGGCAG-3'
Protein context (NP_000209.2, residues 1-17): MAAASS[Pro7Gln]PRAERKRWGW